The following is an entry in ClinVar:

ClinVar aggregate classification (germline): Conflicting classifications of pathogenicity. Review status: criteria provided, conflicting classifications (1 of 4 stars). 2 submissions from 2 submitters: Likely pathogenic (1); Uncertain significance (1). Last evaluated 2025-06-04.

Allele frequency attached by ClinVar (database versions not stated): ExAC 0.00002; gnomAD 0.00002; gnomAD exomes 0.00002; ESP Exome Variant Server 0.00015.
gnomAD v4.1: 34 of 1,613,658 alleles (0.0021%); highest among the groups gnomAD compares: Admixed American, 0.0033%; no homozygotes.

Submissions (2):

Women's Health and Genetics/Laboratory Corporation of America, LabCorp
Classification: Uncertain significance. Last evaluated: 2025-06-04. Review status: criteria provided, single submitter. Criteria: LabCorp Variant Classification Summary - May 2015. Collection method: clinical testing. Allele origin: germline.
Comment: Variant summary: AMHR2 c.1024C>T (p.Arg342Trp) results in a non-conservative amino acid change located in the protein kinase domain (IPR000719) of the encoded protein sequence. Algorithms developed to predict the effect of missense changes on protein structure and function all suggest that this variant is likely to be disruptive. The variant allele was found at a frequency of 1.6e-05 in 251376 control chromosomes. c.1024C>T has been observed in individual(s) affected with Persistent Mullerian duct syndrome (Picard_2017, internal data). These data indicate that the variant may be associated with disease. To our knowledge, no experimental evidence demonstrating an impact on protein function has been reported. The following publication has been ascertained in the context of this evaluation (PMID: 28528332). ClinVar contains an entry for this variant (Variation ID: 2884049). Based on the evidence outlined above, the variant was classified as VUS-possibly pathogenic.

Labcorp Genetics (formerly Invitae), Labcorp
Classification: Likely pathogenic. Last evaluated: 2023-06-14. Review status: criteria provided, single submitter. Criteria: Invitae Variant Classification Sherloc (09022015). Collection method: clinical testing. Allele origin: germline.
Comment: In summary, the currently available evidence indicates that the variant is pathogenic, but additional data are needed to prove that conclusively. Therefore, this variant has been classified as Likely Pathogenic. Advanced modeling of protein sequence and biophysical properties (such as structural, functional, and spatial information, amino acid conservation, physicochemical variation, residue mobility, and thermodynamic stability) performed at Invitae indicates that this missense variant is expected to disrupt AMHR2 protein function. This sequence change replaces arginine, which is basic and polar, with tryptophan, which is neutral and slightly polar, at codon 342 of the AMHR2 protein (p.Arg342Trp). This variant is present in population databases (rs374038746, gnomAD 0.006%). This missense change has been observed in individual(s) with clinical features of persistent Mullerian duct syndrome (PMID: 28528332; Invitae).

Literature cited by the submitters: PubMed 28528332 (cited by Women's Health and Genetics/Laboratory Corporation of America, LabCorp and Labcorp Genetics (formerly Invitae), Labcorp).

NM_020547.3(AMHR2):c.1024C>T (p.Arg342Trp)

Gene: AMHR2 (anti-Mullerian hormone receptor type 2; plus strand). Cytogenetic location: 12q13.13.
Variant type: single nucleotide variant.
Coding change: c.1024C>T on transcript NM_020547.3 (MANE Select); coding-DNA position 1024, C replaced by T.
Protein change: p.Arg342Trp; replaces arginine 342 with tryptophan.
Molecular consequence: missense variant.
Genome position (GRCh38, 1-based): chr12:53,429,509, C>T. VCF-style: chr12-53429509-C-T. GRCh37 (hg19) VCF-style: chr12-53823293-C-T.
Other names: c.1024C>T, p.Arg342Trp (NM_001164690.2, NM_001164691.2); short protein forms R342W.
Identifiers: ClinVar variation 2884049 (VCV002884049.5), dbSNP rs374038746, ClinGen allele CA6600504.